The following is an entry in ClinVar:

NM_000368.5(TSC1):c.1731G>C (p.Glu577Asp)

Gene: TSC1 (TSC complex subunit 1; minus strand). Cytogenetic location: 9q34.13.
Variant type: single nucleotide variant.
Coding change: c.1731G>C on transcript NM_000368.5 (MANE Select); coding-DNA position 1731, G replaced by C.
Protein change: p.Glu577Asp; replaces glutamic acid 577 with aspartic acid.
Molecular consequence: missense variant.
Genome position (GRCh38, 1-based): chr9:132,905,847, C>G on the plus strand (G>C on the coding strand, the complement: TSC1 is on the minus strand). VCF-style: chr9-132905847-C-G. GRCh37 (hg19) VCF-style: chr9-135781234-C-G.
Other names: c.1728G>C, p.Glu576Asp (NM_001162426.2); c.1578G>C, p.Glu526Asp (NM_001162427.2); c.1368G>C, p.Glu456Asp (NM_001362177.2); short protein forms E577D, E456D, E576D, E526D.
Identifiers: ClinVar variation 48825 (VCV000048825.5), dbSNP rs118203571, ClinGen allele CA005310.
Genomic context (GRCh38, chr9:132,905,847, plus strand): 5'-TCCAAAGCCCACTCTCGTCGGAGGTGGAATTTTACAAGGACTGGGAGTGAAGATACTGGT[C>G]TCCAAAGAAGTCTGGCATTCCCTGTCTCCCGCAGGGCTTTCATCAGCACTGCCGCAGGGC-3'
Protein context (NP_000359.1, residues 567-587): AGDRECQTSL[Glu577Asp]TSIFTPSPCK

ClinVar aggregate classification (germline): Uncertain significance. Review status: criteria provided, single submitter (1 of 4 stars). 2 submissions from 2 submitters: Uncertain significance (1). 1 of the submissions does not count toward it. Last evaluated 2023-07-26.

Conditions:
Tuberous sclerosis syndrome (TSC). Also called: Tuberous Sclerosis Complex; Tuberous sclerosis. Identifiers: Orphanet 805, MedGen C0041341, MONDO:0001734.
Tuberous sclerosis 1 (TSC1). Identifiers: Orphanet 805, MedGen C1854465, MONDO:0008612, OMIM 191100.

Submissions (2):

Labcorp Genetics (formerly Invitae), Labcorp
Classification: Uncertain significance for Tuberous sclerosis 1. Last evaluated: 2023-07-26. Review status: criteria provided, single submitter. Criteria: Invitae Variant Classification Sherloc (09022015). Collection method: clinical testing. Allele origin: germline.
Comment: ClinVar contains an entry for this variant (Variation ID: 48825). This variant has not been reported in the literature in individuals affected with TSC1-related conditions. This variant is not present in population databases (gnomAD no frequency). This sequence change replaces glutamic acid, which is acidic and polar, with aspartic acid, which is acidic and polar, at codon 577 of the TSC1 protein (p.Glu577Asp). Advanced modeling of protein sequence and biophysical properties (such as structural, functional, and spatial information, amino acid conservation, physicochemical variation, residue mobility, and thermodynamic stability) performed at Invitae indicates that this missense variant is not expected to disrupt TSC1 protein function. In summary, the available evidence is currently insufficient to determine the role of this variant in disease. Therefore, it has been classified as a Variant of Uncertain Significance.

Tuberous sclerosis database (TSC1)
No classification provided. Condition: TSC. Review status: no classification provided. Criteria: Tuberous Sclerosis Database Assertion Criteria 2015. Collection method: curation. Allele origin: germline. Affected: yes. Not counted in ClinVar's aggregate classification.